The following is an entry in ClinVar:

NC_000014.9:g.104780217dup

Gene: AKT1 (AKT serine/threonine kinase 1; minus strand). Cytogenetic location: 14q32.33.
Variant type: Duplication.
Genome position: GRCh38 VCF-style: chr14-104780213-T-TC. GRCh37 (hg19) VCF-style: chr14-105246550-T-TC.
Identifiers: ClinVar variation 1524334 (VCV001524334.6), dbSNP rs34409589, ClinGen allele CA966900858.
Genomic context (GRCh38, chr14:104,780,213, plus strand): 5'-CCAATGAAGGTGCCATCATTCTTGAGGAGGAAGTAGCGTGGCCGCCAGGTCTTGATGTAC[T>TC]CCCCTACAGACGTGCGGGTGGTGAGAGCCACGCACACTCTACCCGTCAGACCCTCGCCAG-3'

ClinVar aggregate classification (germline): Uncertain significance (1 of 4 stars; one submission).

Conditions:
Cowden syndrome 6 (CWS6). Identifiers: Orphanet 201, MedGen C3554519, MONDO:0014048, OMIM 615109.

Submission:

Labcorp Genetics (formerly Invitae), Labcorp
Classification: Uncertain significance for Cowden syndrome 6. Last evaluated: 2021-04-08. Review status: criteria provided, single submitter. Criteria: Invitae Variant Classification Sherloc (09022015). Collection method: clinical testing. Allele origin: germline.
Comment: In summary, the available evidence is currently insufficient to determine the role of this variant in disease. Therefore, it has been classified as a Variant of Uncertain Significance. This variant has not been reported in the literature in individuals with AKT1-related conditions. This variant is not present in population databases (ExAC no frequency). This sequence change creates a premature translational stop signal (p.Glu17Glyfs*16) in the AKT1 gene. It is expected to result in an absent or disrupted protein product. However, the current clinical and genetic evidence is not sufficient to establish whether loss-of-function variants in AKT1 cause disease.